The following is an entry in ClinVar:

NM_005529.7(HSPG2):c.3473G>A (p.Arg1158His)

Gene: HSPG2 (heparan sulfate proteoglycan 2; minus strand). Cytogenetic location: 1p36.12.
Variant type: single nucleotide variant.
Coding change: c.3473G>A on transcript NM_005529.7 (MANE Select); coding-DNA position 3473, G replaced by A.
Protein change: p.Arg1158His; replaces arginine 1158 with histidine.
Molecular consequence: missense variant.
Genome position (GRCh38, 1-based): chr1:21,874,671, C>T on the plus strand (G>A on the coding strand, the complement: HSPG2 is on the minus strand). VCF-style: chr1-21874671-C-T. GRCh37 (hg19) VCF-style: chr1-22201164-C-T.
Other names: c.3473G>A (NM_005529.5); c.3476G>A, p.Arg1159His (NM_001291860.2); short protein forms R1158H, R1159H.
Identifiers: ClinVar variation 1026756 (VCV001026756.9), dbSNP rs369106960, ClinGen allele CA672635.

ClinVar aggregate classification (germline): Uncertain significance. Review status: criteria provided, multiple submitters, no conflicts (2 of 4 stars). 3 submissions from 3 submitters: Uncertain significance (3). Last evaluated 2025-08-24.

Conditions:
Inborn genetic diseases. Identifiers: MedGen C0950123, MeSH D030342.

Allele frequency attached by ClinVar (database versions not stated): gnomAD 0.00001; TOPMed 0.00001; ExAC 0.00002; gnomAD exomes 0.00002 and 0.00003.
gnomAD v4.1: 35 of 1,612,292 alleles (0.0022%); highest among the groups gnomAD compares: Admixed American, 0.012%; no homozygotes.

Submissions (3):

Ambry Genetics
Classification: Uncertain significance for Inborn genetic diseases. Last evaluated: 2025-08-24. Review status: criteria provided, single submitter. Criteria: Ambry Variant Classification Scheme 2023. Collection method: clinical testing. Allele origin: germline.

Labcorp Genetics (formerly Invitae), Labcorp
Classification: Uncertain significance. Last evaluated: 2021-09-01. Review status: criteria provided, single submitter. Criteria: Invitae Variant Classification Sherloc (09022015). Collection method: clinical testing. Allele origin: germline.
Comment: This sequence change replaces arginine with histidine at codon 1158 of the HSPG2 protein (p.Arg1158His). The arginine residue is weakly conserved and there is a small physicochemical difference between arginine and histidine. This variant is present in population databases (rs369106960, ExAC 0.02%). This variant has not been reported in the literature in individuals affected with HSPG2-related conditions. Algorithms developed to predict the effect of missense changes on protein structure and function (SIFT, PolyPhen-2, Align-GVGD) all suggest that this variant is likely to be tolerated. In summary, the available evidence is currently insufficient to determine the role of this variant in disease. Therefore, it has been classified as a Variant of Uncertain Significance.

Revvity Omics, Revvity
Classification: Uncertain significance. Last evaluated: 2019-05-20. Review status: criteria provided, single submitter. Criteria: ACMG Guidelines, 2015. Collection method: clinical testing. Allele origin: germline.